The following is an entry in ClinVar:

NM_001080517.3(SETD5):c.389G>T (p.Gly130Val)

Gene: SETD5 (SET domain containing 5; plus strand). Cytogenetic location: 3p25.3.
Variant type: single nucleotide variant.
Coding change: c.389G>T on transcript NM_001080517.3 (MANE Select); coding-DNA position 389, G replaced by T.
Protein change: p.Gly130Val; replaces glycine 130 with valine.
Molecular consequence: missense variant.
Genome position (GRCh38, 1-based): chr3:9,435,728, G>T. VCF-style: chr3-9435728-G-T. GRCh37 (hg19) VCF-style: chr3-9477412-G-T.
Other names: c.56G>T, p.Gly19Val (NM_001292043.2, NM_001349451.2); short protein forms G130V, G19V.
Identifiers: ClinVar variation 1803450 (VCV001803450.2), dbSNP rs1490730714, ClinGen allele CA351683829.

ClinVar aggregate classification (germline): Uncertain significance (1 of 4 stars; one submission).

gnomAD v4.1: 5 of 1,567,188 alleles (0.00032%); highest among the groups gnomAD compares: Non-Finnish European, 0.00043%; no homozygotes.

Submission:

GeneDx
Classification: Uncertain significance. Last evaluated: 2024-08-05. Review status: criteria provided, single submitter. Criteria: GeneDx Variant Classification Process June 2021. Collection method: clinical testing. Allele origin: germline.
Comment: Not observed at significant frequency in large population cohorts (gnomAD); In silico analysis supports that this missense variant has a deleterious effect on protein structure/function; Has not been previously published as pathogenic or benign to our knowledge